The following is an entry in ClinVar:

ClinVar aggregate classification (germline): Benign/Likely benign. Review status: criteria provided, multiple submitters, no conflicts (2 of 4 stars). 2 submissions from 2 submitters: Benign (1); Likely benign (1). Last evaluated 2026-09-16.

Conditions:
Colorectal cancer, hereditary nonpolyposis, type 7. Identifiers: Orphanet 144, MedGen C1858380, MONDO:0013725, OMIM 614385.

gnomAD v4.1: 4 of 1,614,098 alleles (0.00025%); highest among the groups gnomAD compares: East Asian, 0.0045%; no homozygotes.

Submissions (2):

Myriad Genetics, Inc.
Classification: Benign for Colorectal cancer, hereditary nonpolyposis, type 7. Last evaluated: 2026-09-16. Review status: criteria provided, single submitter. Criteria: Myriad Autosomal Dominant, Autosomal Recessive and X-Linked Classification Criteria (2023). Collection method: clinical testing. Allele origin: unknown.
Comment: This variant is considered benign. This variant is a silent/synonymous amino acid change and it is not expected to impact splicing.

Ambry Genetics
Classification: Likely benign. Last evaluated: 2020-07-30. Review status: criteria provided, single submitter. Criteria: Ambry Variant Classification Scheme 2023. Collection method: clinical testing. Allele origin: germline.

NM_001040108.2(MLH3):c.3186T>G (p.Thr1062=)

Gene: MLH3 (mutL homolog 3; minus strand). Cytogenetic location: 14q24.3.
Variant type: single nucleotide variant.
Coding change: c.3186T>G on transcript NM_001040108.2 (MANE Select); coding-DNA position 3186, T replaced by G.
Protein change: p.Thr1062=; no amino-acid change (threonine 1062 retained).
Molecular consequence: synonymous variant.
Genome position (GRCh38, 1-based): chr14:75,046,470, A>C on the plus strand (T>G on the coding strand, the complement: MLH3 is on the minus strand). VCF-style: chr14-75046470-A-C. GRCh37 (hg19) VCF-style: chr14-75513173-A-C.
Other names: c.3186T>G, p.Thr1062= (NM_014381.3).
Identifiers: ClinVar variation 1728599 (VCV001728599.3), dbSNP rs369063337, ClinGen allele CA487177283.